The following is an entry in ClinVar:

ClinVar aggregate classification (germline): not provided (0 of 4 stars; one submission).

Allele frequency attached by ClinVar (database versions not stated): gnomAD exomes below 0.00001; ExAC 0.00001.
gnomAD v4.1: 1 of 1,611,318 alleles (0.000062%); highest among the groups gnomAD compares: East Asian, 0.0022%; no homozygotes.

Submission:

ITMI
No classification provided. Condition: AllHighlyPenetrant. Last evaluated: 2013-09-19. Review status: no classification provided. Collection method: reference population. Allele origin: germline.
Comment: Please see associated publication for description of ethnicities

Literature cited by the submitters: PubMed 24728327.

NM_017617.5(NOTCH1):c.2473A>G (p.Thr825Ala)

Gene: NOTCH1 (notch receptor 1; minus strand). Cytogenetic location: 9q34.3.
Variant type: single nucleotide variant.
Coding change: c.2473A>G on transcript NM_017617.5 (MANE Select); coding-DNA position 2473, A replaced by G.
Protein change: p.Thr825Ala; replaces threonine 825 with alanine.
Molecular consequence: missense variant.
Genome position (GRCh38, 1-based): chr9:136,511,266, T>C on the plus strand (A>G on the coding strand, the complement: NOTCH1 is on the minus strand). VCF-style: chr9-136511266-T-C. GRCh37 (hg19) VCF-style: chr9-139405718-T-C.
Other names: c.2473A>G, p.Thr825Ala (LRG_1122t1); short protein forms T825A.
Identifiers: ClinVar variation 134917 (VCV000134917.1), dbSNP rs587778562, ClinGen allele CA161161.